The following is an entry in ClinVar:

NM_014908.4(DOLK):c.1457C>T (p.Ser486Phe)

Gene: DOLK (dolichol kinase; minus strand). Cytogenetic location: 9q34.11.
Variant type: single nucleotide variant.
Coding change: c.1457C>T on transcript NM_014908.4 (MANE Select); coding-DNA position 1457, C replaced by T.
Protein change: p.Ser486Phe; replaces serine 486 with phenylalanine.
Molecular consequence: missense variant.
Genome position (GRCh38, 1-based): chr9:128,945,847, G>A on the plus strand (C>T on the coding strand, the complement: DOLK is on the minus strand). VCF-style: chr9-128945847-G-A. GRCh37 (hg19) VCF-style: chr9-131708126-G-A.
Other names: c.1457C>T (NM_014908.3); short protein forms S486F.
Identifiers: ClinVar variation 1507608 (VCV001507608.7), dbSNP rs1180339847, ClinGen allele CA375116474.

ClinVar aggregate classification (germline): Uncertain significance. Review status: criteria provided, multiple submitters, no conflicts (2 of 4 stars). 2 submissions from 2 submitters: Uncertain significance (2). Last evaluated 2023-12-12.

Conditions:
Cardiovascular phenotype. Identifiers: MedGen CN230736.
DK1-congenital disorder of glycosylation. Also called: DOLK-congenital disorder of glycosylation; Carbohydrate deficient glycoprotein syndrome type 1m; DK1-CDG; CDG Im; DK1 DEFICIENCY; DOLICHOL KINASE DEFICIENCY. Identifiers: Orphanet 91131, MedGen C1835849, MONDO:0012556, OMIM 610768.

Allele frequency attached by ClinVar (database versions not stated): TOPMed 0.00001.

Submissions (2):

Ambry Genetics
Classification: Uncertain significance for Cardiovascular phenotype. Last evaluated: 2023-12-12. Review status: criteria provided, single submitter. Criteria: Ambry Variant Classification Scheme 2023. Collection method: clinical testing. Allele origin: germline.
Comment: The p.S486F variant (also known as c.1457C>T), located in coding exon 1 of the DOLK gene, results from a C to T substitution at nucleotide position 1457. The serine at codon 486 is replaced by phenylalanine, an amino acid with highly dissimilar properties. This amino acid position is conserved. In addition, this alteration is predicted to be tolerated by in silico analysis. Since supporting evidence is limited at this time, the clinical significance of this alteration remains unclear.

Labcorp Genetics (formerly Invitae), Labcorp
Classification: Uncertain significance for DK1-congenital disorder of glycosylation. Last evaluated: 2022-06-21. Review status: criteria provided, single submitter. Criteria: Invitae Variant Classification Sherloc (09022015). Collection method: clinical testing. Allele origin: germline.
Comment: This sequence change replaces serine, which is neutral and polar, with phenylalanine, which is neutral and non-polar, at codon 486 of the DOLK protein (p.Ser486Phe). This variant is present in population databases (no rsID available, gnomAD 0.009%). This variant has not been reported in the literature in individuals affected with DOLK-related conditions. In summary, the available evidence is currently insufficient to determine the role of this variant in disease. Therefore, it has been classified as a Variant of Uncertain Significance. Algorithms developed to predict the effect of missense changes on protein structure and function (SIFT, PolyPhen-2, Align-GVGD) all suggest that this variant is likely to be tolerated.